The following is an entry in ClinVar:

NM_007127.3(VIL1):c.1473C>T (p.Ile491=)

Gene: VIL1 (villin 1; plus strand). Cytogenetic location: 2q35.
Variant type: single nucleotide variant.
Coding change: c.1473C>T on transcript NM_007127.3 (MANE Select); coding-DNA position 1473, C replaced by T.
Protein change: p.Ile491=; no amino-acid change (isoleucine 491 retained).
Molecular consequence: synonymous variant.
Genome position (GRCh38, 1-based): chr2:218,432,924, C>T. VCF-style: chr2-218432924-C-T. GRCh37 (hg19) VCF-style: chr2-219297647-C-T.
Identifiers: ClinVar variation 3052373 (VCV003052373.2), dbSNP rs749111220, ClinGen allele CA2106480.
Genomic context (GRCh38, chr2:218,432,924, plus strand): 5'-TGGTGAACCAGTCCAGATCCGGGTCCCAATGGGCAAGGAGCCACCTCATCTTATGTCCAT[C>T]TTCAAGGGACGCATGGTGGTCTACCAGGTGTGGCTGCTGAACTGAGGTGTCTGGCAGTAA-3'
Protein context (NP_009058.2, residues 481-501): MGKEPPHLMS[Ile491=]FKGRMVVYQG

ClinVar aggregate classification (germline): Likely benign (0 of 4 stars; one submission).

Conditions:
VIL1-related disorder. Also called: VIL1-related condition.

Allele frequency attached by ClinVar (database versions not stated): TOPMed below 0.00001; gnomAD 0.00001; gnomAD exomes 0.00001; ExAC 0.00002.
gnomAD v4.1: 20 of 1,614,118 alleles (0.0012%); highest among the groups gnomAD compares: East Asian, 0.022%; no homozygotes.

Submission:

PreventionGenetics, part of Exact Sciences
Classification: Likely benign for VIL1-related condition. Last evaluated: 2019-08-15. Review status: no assertion criteria provided. Collection method: clinical testing. Allele origin: germline.
Comment: This variant is classified as likely benign based on ACMG/AMP sequence variant interpretation guidelines (Richards et al. 2015 PMID: 25741868, with internal and published modifications).